The following is an entry in ClinVar:

NM_020971.3(SPTBN4):c.6074A>C (p.Lys2025Thr)

Gene: SPTBN4 (spectrin beta, non-erythrocytic 4; plus strand). Cytogenetic location: 19q13.2.
Variant type: single nucleotide variant.
Coding change: c.6074A>C on transcript NM_020971.3 (MANE Select); coding-DNA position 6074, A replaced by C.
Protein change: p.Lys2025Thr; replaces lysine 2025 with threonine.
Molecular consequence: missense variant.
Genome position (GRCh38, 1-based): chr19:40,565,680, A>C. VCF-style: chr19-40565680-A-C. GRCh37 (hg19) VCF-style: chr19-41071586-A-C.
Other names: short protein forms K2025T.
Identifiers: ClinVar variation 2574202 (VCV002574202.1), dbSNP rs2515218045, ClinGen allele CA405913382.

ClinVar aggregate classification (germline): Uncertain significance (1 of 4 stars; one submission).

Submission:

GeneDx
Classification: Uncertain significance. Last evaluated: 2023-01-31. Review status: criteria provided, single submitter. Criteria: GeneDx Variant Classification Process June 2021. Collection method: clinical testing. Allele origin: germline. Affected: yes.
Comment: Not observed at significant frequency in large population cohorts (gnomAD); In silico analysis supports that this missense variant has a deleterious effect on protein structure/function; Has not been previously published as pathogenic or benign to our knowledge